The following is an entry in ClinVar:

ClinVar aggregate classification (germline): Uncertain significance (1 of 4 stars; one submission).

Submission:

GeneDx
Classification: Uncertain significance. Last evaluated: 2026-02-26. Review status: criteria provided, single submitter. Criteria: GeneDx Variant Classification Process June 2021. Collection method: clinical testing. Allele origin: germline.
Comment: Not observed at significant frequency in large population cohorts (gnomAD); In silico analysis supports that this missense variant has a deleterious effect on protein structure/function; Has not been previously published as pathogenic or benign to our knowledge

NM_001178015.2(SLC4A10):c.1685C>T (p.Pro562Leu)

Gene: SLC4A10 (solute carrier family 4 member 10; plus strand). Cytogenetic location: 2q24.2.
Variant type: single nucleotide variant.
Coding change: c.1685C>T on transcript NM_001178015.2 (MANE Select); coding-DNA position 1685, C replaced by T.
Protein change: p.Pro562Leu; replaces proline 562 with leucine.
Molecular consequence: missense variant.
Genome position (GRCh38, 1-based): chr2:161,904,843, C>T. VCF-style: chr2-161904843-C-T. GRCh37 (hg19) VCF-style: chr2-162761353-C-T.
Other names: c.1628C>T, p.Pro543Leu (NM_001178016.2, NM_001354445.2); c.1685C>T, p.Pro562Leu (NM_001354440.2); c.1718C>T, p.Pro573Leu (NM_001354441.2, NM_001354442.2); c.1631C>T, p.Pro544Leu (NM_001354443.2, NM_001354447.2); c.1682C>T, p.Pro561Leu (NM_001354444.2); c.1595C>T, p.Pro532Leu (NM_001354446.2, NM_001354450.2, NM_022058.4); c.1625C>T, p.Pro542Leu (NM_001354448.2); c.1592C>T, p.Pro531Leu (NM_001354449.2, NM_001354451.2); and 3 more; short protein forms P561L, P483L, P544L, P532L, P543L, P573L, P339L, P531L.
Identifiers: ClinVar variation 5010013 (VCV005010013.1).
Genomic context (GRCh38, chr2:161,904,843, plus strand): 5'-TTGAATCTCTCTTTGGAGCATCCATGACCGGGATAGCCTATTCTCTCTTTGGTGGACAGC[C>T]TCTTACCATATTAGGCAGTACAGGACCAGTTTTGGTGTTTGAAAAGATTTTGTTTAAATT-3'
Protein context (NP_001171486.1, residues 552-572): GIAYSLFGGQ[Pro562Leu]LTILGSTGPV